The following is an entry in ClinVar:

NM_006908.5(RAC1):c.487C>G (p.Arg163Gly)

Gene: RAC1 (Rac family small GTPase 1; plus strand). Cytogenetic location: 7p22.1.
Variant type: single nucleotide variant.
Coding change: c.487C>G on transcript NM_006908.5 (MANE Select); coding-DNA position 487, C replaced by G.
Protein change: p.Arg163Gly; replaces arginine 163 with glycine.
Molecular consequence: missense variant.
Genome position (GRCh38, 1-based): chr7:6,402,354, C>G. VCF-style: chr7-6402354-C-G. GRCh37 (hg19) VCF-style: chr7-6441985-C-G.
Other names: c.544C>G, p.Arg182Gly (NM_018890.4); short protein forms R163G, R182G.
Identifiers: ClinVar variation 3774888 (VCV003774888.1).

ClinVar aggregate classification (germline): Uncertain significance (1 of 4 stars; one submission).

Submission:

GeneDx
Classification: Uncertain significance. Last evaluated: 2024-09-30. Review status: criteria provided, single submitter. Criteria: GeneDx Variant Classification Process June 2021. Collection method: clinical testing. Allele origin: germline. Affected: yes.
Comment: Not observed at significant frequency in large population cohorts (gnomAD); In silico analysis supports that this missense variant has a deleterious effect on protein structure/function; Has not been previously published as pathogenic or benign to our knowledge